The following is an entry in ClinVar:

ClinVar aggregate classification (germline): Pathogenic (1 of 4 stars; one submission).

Submission:

New York Genome Center
Classification: Pathogenic. Last evaluated: 2025-01-28. Review status: criteria provided, single submitter. Criteria: NYGC Assertion Criteria 2020. Collection method: clinical testing. Allele origin: de novo. Observed: 1 variant allele.
Comment: Genome sequencing in this sample identified an apparently de novo ~30.363 Mb duplication on the short arm (p) of chromosome 1 (p22.3p13.2). This duplicated region contains 193 protein-coding genes, 46 of which are OMIM disease associated genes. A fully contained smaller duplication than the one identified here has been reported de novo in an individual with autism spectrum disorder, mild intellectual disability and mild dysmorphic features (PMID:19344873). Another fully contained p13.3p22.1 duplication resulting from unbalanced segregation of a paternal insertional translocation between chromosomes 1 and 6 has been reported in an individual with intellectual disability, dysmorphic features, high arched palate, umbilical hernia, sacral dimple, irregular position of the toes and chorda running through the left ventricle (PMID: 9950373). Based on available evidence, this apparently de novo ~30.363 Mb duplication at 1p22.3p13.2 is classified as Pathogenic.

GRCh38/hg38 1p31.1-13.2(chr1:84226999-114590646)x3

Genes: DENND2D (DENN domain containing 2D; minus strand), DIPK1A (divergent protein kinase domain 1A; minus strand), DNAI3 (dynein axonemal intermediate chain 3; plus strand), DNASE2B (deoxyribonuclease 2 beta; plus strand), LINC01676 (long independently transcribed non-coding RNA 1676; minus strand) and 917 more. Cytogenetic location: 1p31.1-13.2.
Variant type: copy number gain.
Change: copy number 3 (three copies instead of two) of chr1:84,226,999-114,590,646 (30.36 Mb, GRCh38 coordinates, 1-based), cytogenetic band 1p31.1-13.2.
Identifiers: ClinVar variation 4888321 (VCV004888321.1).